The following is an entry in ClinVar:

NM_001267052.2(UNC45B):c.206-3T>C

Gene: UNC45B (unc-45 myosin chaperone B; plus strand). Cytogenetic location: 17q12.
Variant type: single nucleotide variant.
Coding change: c.206-3T>C on transcript NM_001267052.2 (MANE Select); 3 bases into the intron before coding-DNA position 206, T replaced by C.
Molecular consequence: intron variant.
Genome position (GRCh38, 1-based): chr17:35,150,045, T>C. VCF-style: chr17-35150045-T-C. GRCh37 (hg19) VCF-style: chr17-33477064-T-C.
Other names: c.206-3T>C (NM_001033576.2, NM_173167.3, NM_001308281.1).
Identifiers: ClinVar variation 4980125 (VCV004980125.1).

ClinVar aggregate classification (germline): Likely benign (1 of 4 stars; one submission).

Conditions:
UNC45B-related disorder. Also called: UNC45B-related condition.

gnomAD v4.1: 98 of 1,596,564 alleles (0.0061%); highest among the groups gnomAD compares: African/African-American, 0.12%; no homozygotes.

Submission:

PreventionGenetics, part of Exact Sciences
Classification: Likely benign for UNC45B-related condition. Last evaluated: 2024-12-06. Review status: criteria provided, single submitter. Criteria: ACMG Guidelines, 2015. Collection method: clinical testing. Allele origin: germline.
Comment: This variant is classified as likely benign based on ACMG/AMP sequence variant interpretation guidelines (Richards et al. 2015 PMID: 25741868, with internal and published modifications).